The following is an entry in ClinVar:

ClinVar aggregate classification (germline): Conflicting classifications of pathogenicity. Review status: criteria provided, conflicting classifications (1 of 4 stars). 4 submissions from 4 submitters: Uncertain significance (1); Benign (1); Likely benign (1). 1 of the submissions does not count toward it. Last evaluated 2025-12-22.

Conditions:
IFT140-related disorder. Also called: IFT140-related condition.
Saldino-Mainzer syndrome (SRTD9). Also called: short-rib thoracic dysplasia 9 with or without polydactyly; CONORENAL SYNDROME; Renal dysplasia, retinal pigmentary dystrophy, cerebellar ataxia and skeletal dysplasia; SHORT-RIB THORACIC DYSPLASIA 9 WITHOUT POLYDACTYLY. Identifiers: Orphanet 140969, MedGen C1849437, MONDO:0009964, OMIM 266920.

Allele frequency attached by ClinVar (database versions not stated): TOPMed 0.00013; gnomAD exomes 0.00038 and 0.00080; 1000 Genomes Project 0.00060; 1000 Genomes Project 30x 0.00062; gnomAD 0.00108 and 0.00109; ExAC 0.00160.
gnomAD v4.1: 697 of 1,569,342 alleles (0.044%); highest among the groups gnomAD compares: Middle Eastern, 0.039%; 3 homozygotes.

Submissions (4):

Labcorp Genetics (formerly Invitae), Labcorp
Classification: Benign for Saldino-Mainzer syndrome. Last evaluated: 2025-12-22. Review status: criteria provided, single submitter. Criteria: Invitae Variant Classification Sherloc (09022015). Collection method: clinical testing. Allele origin: germline.

Blueprint Genetics
Classification: Likely benign. Last evaluated: 2024-11-25. Review status: criteria provided, single submitter. Criteria: ACMG Guidelines, 2015. Collection method: clinical testing. Allele origin: germline.

Illumina Laboratory Services, Illumina
Classification: Uncertain significance for Saldino-Mainzer syndrome. Last evaluated: 2018-01-13. Review status: criteria provided, single submitter. Criteria: ICSL Variant Classification Criteria 13 December 2019. Collection method: clinical testing. Allele origin: germline.

PreventionGenetics, part of Exact Sciences
Classification: Benign for IFT140-related condition. Last evaluated: 2020-02-25. Review status: no assertion criteria provided. Collection method: clinical testing. Allele origin: germline. Not counted in ClinVar's aggregate classification.
Comment: This variant is classified as benign based on ACMG/AMP sequence variant interpretation guidelines (Richards et al. 2015 PMID: 25741868, with internal and published modifications).

NM_014714.4(IFT140):c.2561C>T (p.Thr854Met)

Gene: IFT140 (intraflagellar transport 140; minus strand). Cytogenetic location: 16p13.3.
Variant type: single nucleotide variant.
Coding change: c.2561C>T on transcript NM_014714.4 (MANE Select); coding-DNA position 2561, C replaced by T.
Protein change: p.Thr854Met; replaces threonine 854 with methionine.
Molecular consequence: missense variant.
Genome position (GRCh38, 1-based): chr16:1,526,635, G>A on the plus strand (C>T on the coding strand, the complement: IFT140 is on the minus strand). VCF-style: chr16-1526635-G-A. GRCh37 (hg19) VCF-style: chr16-1576636-G-A.
Other names: short protein forms T854M.
Identifiers: ClinVar variation 318054 (VCV000318054.17), dbSNP rs202189990, ClinGen allele CA7813585.